The following is an entry in ClinVar:

NM_176787.5(PIGN):c.465T>A (p.Tyr155Ter)

Gene: PIGN (phosphatidylinositol glycan anchor biosynthesis class N; minus strand). Cytogenetic location: 18q21.33.
Variant type: single nucleotide variant.
Coding change: c.465T>A on transcript NM_176787.5 (MANE Select); coding-DNA position 465, T replaced by A.
Protein change: p.Tyr155Ter; replaces tyrosine 155 with a stop codon.
Molecular consequence: nonsense.
Genome position (GRCh38, 1-based): chr18:62,154,629, A>T on the plus strand (T>A on the coding strand, the complement: PIGN is on the minus strand). VCF-style: chr18-62154629-A-T. GRCh37 (hg19) VCF-style: chr18-59821862-A-T.
Other names: c.465T>A, p.Tyr155Ter (NM_012327.6); short protein forms Y155*.
Identifiers: ClinVar variation 2996565 (VCV002996565.4), dbSNP rs1376931989, ClinGen allele CA402602893.

ClinVar aggregate classification (germline): Pathogenic/Likely pathogenic. Review status: criteria provided, multiple submitters, no conflicts (2 of 4 stars). 2 submissions from 2 submitters: Pathogenic (1); Likely pathogenic (1). Last evaluated 2024-06-22.

Conditions:
Multiple congenital anomalies-hypotonia-seizures syndrome 1 (MCAHS1). Also called: GLYCOSYLPHOSPHATIDYLINOSITOL BIOSYNTHESIS DEFECT 3; PIGN-CDG; Congenital disorder of glycosylation due to PIGN deficiency. Identifiers: Orphanet 280633, MedGen C3279775, MONDO:0013563, OMIM 614080.

Allele frequency attached by ClinVar (database versions not stated): gnomAD 0.00001; TOPMed 0.00002.
gnomAD v4.1: 3 of 1,559,246 alleles (0.00019%); highest among the groups gnomAD compares: African/African-American, 0.0041%; no homozygotes.

Submissions (2):

Fulgent Genetics
Classification: Likely pathogenic for Multiple congenital anomalies-hypotonia-seizures syndrome 1. Last evaluated: 2024-06-22. Review status: criteria provided, single submitter. Criteria: ACMG Guidelines, 2015. Collection method: clinical testing. Allele origin: germline.

Labcorp Genetics (formerly Invitae), Labcorp
Classification: Pathogenic for Multiple congenital anomalies-hypotonia-seizures syndrome 1. Last evaluated: 2023-06-16. Review status: criteria provided, single submitter. Criteria: Invitae Variant Classification Sherloc (09022015). Collection method: clinical testing. Allele origin: germline.
Comment: For these reasons, this variant has been classified as Pathogenic. This variant has not been reported in the literature in individuals affected with PIGN-related conditions. This variant is present in population databases (no rsID available, gnomAD 0.01%). This sequence change creates a premature translational stop signal (p.Tyr155*) in the PIGN gene. It is expected to result in an absent or disrupted protein product. Loss-of-function variants in PIGN are known to be pathogenic (PMID: 24253414, 27038415).

Literature cited by the submitters: PubMed 24253414 (cited by Labcorp Genetics (formerly Invitae), Labcorp); PubMed 27038415 (cited by Labcorp Genetics (formerly Invitae), Labcorp).